The following is an entry in ClinVar:

ClinVar aggregate classification (germline): Benign/Likely benign. Review status: criteria provided, multiple submitters, no conflicts (2 of 4 stars). 2 submissions from 2 submitters: Benign (1); Likely benign (1). Last evaluated 2026-08-04.

Conditions:
Familial colorectal cancer type X. Identifiers: Orphanet 440437, MedGen C3896578, MONDO:0018604.

Allele frequency attached by ClinVar (database versions not stated): gnomAD 0.00001; gnomAD exomes below 0.00001.
gnomAD v4.1: 2 of 1,599,686 alleles (0.00013%); highest among the groups gnomAD compares: East Asian, 0.0022%; no homozygotes.

Submissions (2):

Myriad Genetics, Inc.
Classification: Benign for Familial colorectal cancer type X. Last evaluated: 2026-08-04. Review status: criteria provided, single submitter. Criteria: Myriad Autosomal Dominant, Autosomal Recessive and X-Linked Classification Criteria (2023). Collection method: clinical testing. Allele origin: unknown.
Comment: This variant is considered benign. This variant is a silent/synonymous amino acid change and it is not expected to impact splicing.

Ambry Genetics
Classification: Likely benign. Last evaluated: 2023-05-08. Review status: criteria provided, single submitter. Criteria: Ambry Variant Classification Scheme 2023. Collection method: clinical testing. Allele origin: germline.

NM_001023.4(RPS20):c.276C>T (p.His92=)

Gene: RPS20 (ribosomal protein S20; minus strand). Cytogenetic location: 8q12.1.
Variant type: single nucleotide variant.
Coding change: c.276C>T on transcript NM_001023.4 (MANE Select); coding-DNA position 276, C replaced by T.
Protein change: p.His92=; no amino-acid change (histidine 92 retained).
Molecular consequence: synonymous variant.
Genome position (GRCh38, 1-based): chr8:56,073,174, G>A on the plus strand (C>T on the coding strand, the complement: RPS20 is on the minus strand). VCF-style: chr8-56073174-G-A. GRCh37 (hg19) VCF-style: chr8-56985733-G-A.
Other names: c.276C>T, p.His92= (NM_001146227.3).
Identifiers: ClinVar variation 2561549 (VCV002561549.3), dbSNP rs1199371625, ClinGen allele CA460824007.